The following is an entry in ClinVar:

ClinVar aggregate classification (germline): Uncertain significance (1 of 4 stars; one submission).

Conditions:
Pitt-Hopkins-like syndrome 2 (PTHSL2). Identifiers: Orphanet 221150, Orphanet 600663, MedGen C3280479, MONDO:0013690, OMIM 614325.

gnomAD v4.1: 1 of 1,613,294 alleles (0.000062%); highest among the groups gnomAD compares: Non-Finnish European, 0.000085%; no homozygotes.

Submission:

Labcorp Genetics (formerly Invitae), Labcorp
Classification: Uncertain significance for Pitt-Hopkins-like syndrome 2. Last evaluated: 2025-03-27. Review status: criteria provided, single submitter. Criteria: Invitae Variant Classification Sherloc (09022015). Collection method: clinical testing. Allele origin: germline.
Comment: This sequence change replaces lysine, which is basic and polar, with glutamine, which is neutral and polar, at codon 143 of the NRXN1 protein (p.Lys143Gln). This variant is not present in population databases (gnomAD no frequency). This variant has not been reported in the literature in individuals affected with NRXN1-related conditions. An algorithm developed to predict the effect of missense changes on protein structure and function (PolyPhen-2) suggests that this variant is likely to be disruptive. In summary, the available evidence is currently insufficient to determine the role of this variant in disease. Therefore, it has been classified as a Variant of Uncertain Significance.

NM_001330078.2(NRXN1):c.427A>C (p.Lys143Gln)

Gene: NRXN1 (neurexin 1; minus strand). Cytogenetic location: 2p16.3.
Variant type: single nucleotide variant.
Coding change: c.427A>C on transcript NM_001330078.2 (MANE Select); coding-DNA position 427, A replaced by C.
Protein change: p.Lys143Gln; replaces lysine 143 with glutamine.
Molecular consequence: missense variant.
Genome position (GRCh38, 1-based): chr2:51,027,847, T>G on the plus strand (A>C on the coding strand, the complement: NRXN1 is on the minus strand). VCF-style: chr2-51027847-T-G. GRCh37 (hg19) VCF-style: chr2-51254985-T-G.
Other names: c.427A>C, p.Lys143Gln (NM_001135659.3, NM_001330077.2, NM_001330079.2 and 15 more transcripts); short protein forms K143Q.
Identifiers: ClinVar variation 4782088 (VCV004782088.1).